The following is an entry in ClinVar:

ClinVar aggregate classification (germline): Uncertain significance (1 of 4 stars; one submission).

Allele frequency attached by ClinVar (database versions not stated): gnomAD 0.00001; TOPMed 0.00001.
gnomAD v4.1: 5 of 1,561,388 alleles (0.00032%); highest among the groups gnomAD compares: Non-Finnish European, 0.00043%; no homozygotes.

Submission:

Labcorp Genetics (formerly Invitae), Labcorp
Classification: Uncertain significance. Last evaluated: 2022-08-09. Review status: criteria provided, single submitter. Criteria: Invitae Variant Classification Sherloc (09022015). Collection method: clinical testing. Allele origin: germline.
Comment: This sequence change replaces alanine, which is neutral and non-polar, with threonine, which is neutral and polar, at codon 1130 of the CEP250 protein (p.Ala1130Thr). In summary, the available evidence is currently insufficient to determine the role of this variant in disease. Therefore, it has been classified as a Variant of Uncertain Significance. Algorithms developed to predict the effect of missense changes on protein structure and function output the following: SIFT: "Not Available"; PolyPhen-2: "Benign"; Align-GVGD: "Not Available". The threonine amino acid residue is found in multiple mammalian species, which suggests that this missense change does not adversely affect protein function. ClinVar contains an entry for this variant (Variation ID: 843656). This variant has not been reported in the literature in individuals affected with CEP250-related conditions. This variant is present in population databases (no rsID available, gnomAD 0.001%).

NM_007186.6(CEP250):c.3388G>A (p.Ala1130Thr)

Gene: CEP250 (centrosomal protein 250; plus strand). Cytogenetic location: 20q11.22.
Variant type: single nucleotide variant.
Coding change: c.3388G>A on transcript NM_007186.6 (MANE Select); coding-DNA position 3388, G replaced by A.
Protein change: p.Ala1130Thr; replaces alanine 1130 with threonine.
Molecular consequence: missense variant.
Genome position (GRCh38, 1-based): chr20:35,497,800, G>A. VCF-style: chr20-35497800-G-A. GRCh37 (hg19) VCF-style: chr20-34085629-G-A.
Other names: c.1492G>A, p.Ala498Thr (NM_001318219.1); short protein forms A498T, A1130T.
Identifiers: ClinVar variation 843656 (VCV000843656.11), dbSNP rs1158173739, ClinGen allele CA408743959.